The following is an entry in ClinVar:

ClinVar aggregate classification (germline): Pathogenic. Review status: criteria provided, single submitter (1 of 4 stars). 2 submissions from 2 submitters: Pathogenic (1). 1 of the submissions does not count toward it. Last evaluated 2023-01-07.

Conditions:
Duchenne muscular dystrophy (DMD). Also called: MUSCULAR DYSTROPHY, PSEUDOHYPERTROPHIC PROGRESSIVE, DUCHENNE TYPE; Duchenne Muscular Dystrophy (DMD). Identifiers: Orphanet 98896, MedGen C0013264, MONDO:0010679, OMIM 310200.

Submissions (2):

Labcorp Genetics (formerly Invitae), Labcorp
Classification: Pathogenic for Duchenne muscular dystrophy. Last evaluated: 2023-01-07. Review status: criteria provided, single submitter. Criteria: Invitae Variant Classification Sherloc (09022015). Collection method: clinical testing. Allele origin: germline.
Comment: For these reasons, this variant has been classified as Pathogenic. ClinVar contains an entry for this variant (Variation ID: 11263). This variant is also known as C6998T. This premature translational stop signal has been observed in individual(s) with Duchenne muscular dystrophy (PMID: 7951253). This variant is not present in population databases (gnomAD no frequency). This sequence change creates a premature translational stop signal (p.Gln2264*) in the DMD gene. It is expected to result in an absent or disrupted protein product. Loss-of-function variants in DMD are known to be pathogenic (PMID: 16770791, 25007885).

OMIM
Classification: Pathogenic for DUCHENNE MUSCULAR DYSTROPHY. Last evaluated: 1994-01-01. Review status: no assertion criteria provided. Collection method: literature only. Allele origin: germline. Not counted in ClinVar's aggregate classification.

Literature cited by the submitters: PubMed 7951253 (cited by Labcorp Genetics (formerly Invitae), Labcorp and OMIM); PubMed 16770791 (cited by Labcorp Genetics (formerly Invitae), Labcorp); PubMed 25007885 (cited by Labcorp Genetics (formerly Invitae), Labcorp).

NM_004006.3(DMD):c.6790C>T (p.Gln2264Ter)

Gene: DMD (dystrophin; minus strand). Cytogenetic location: Xp21.1.
Variant type: single nucleotide variant.
Coding change: c.6790C>T on transcript NM_004006.3 (MANE Select); coding-DNA position 6790, C replaced by T.
Protein change: p.Gln2264Ter; replaces glutamine 2264 with a stop codon.
Molecular consequence: nonsense. On other transcripts: 5 prime UTR variant (5).
Genome position (GRCh38, 1-based): chrX:31,929,718, G>A on the plus strand (C>T on the coding strand, the complement: DMD is on the minus strand). VCF-style: chrX-31929718-G-A. GRCh37 (hg19) VCF-style: chrX-31947835-G-A.
Other names: c.6766C>T, p.Gln2256Ter (NM_000109.4); c.6778C>T, p.Gln2260Ter (NM_004009.3); c.6421C>T, p.Gln2141Ter (NM_004010.3); c.2767C>T, p.Gln923Ter (NM_004011.4); c.2758C>T, p.Gln920Ter (NM_004012.4); c.-591C>T (NM_004013.3, NM_004020.4, NM_004021.3 and 2 more transcripts); short protein forms Q2264*, Q2141*, Q2256*, Q920*, Q923*, Q2260*.
Identifiers: ClinVar variation 11263 (VCV000011263.6), dbSNP rs128626252, ClinGen allele CA341070.